The following is an entry in ClinVar:

ClinVar aggregate classification (germline): Benign/Likely benign. Review status: criteria provided, multiple submitters, no conflicts (2 of 4 stars). 4 submissions from 4 submitters: Benign (1); Likely benign (3). Last evaluated 2026-07-14.

Conditions:
SMARCA4-related disorder. Also called: SMARCA4-related condition.
Hereditary cancer-predisposing syndrome. Also called: Hereditary Cancer Syndrome; Hereditary neoplastic syndrome; Neoplastic Syndromes, Hereditary; Tumor predisposition. Identifiers: Orphanet 140162, MedGen C0027672, MeSH D009386, MONDO:0015356.
Rhabdoid tumor predisposition syndrome 2 (RTPS2). Identifiers: Orphanet 231108, Orphanet 69077, MedGen C2750074, MONDO:0013224, OMIM 613325.

Allele frequency attached by ClinVar (database versions not stated): TOPMed below 0.00001; gnomAD exomes below 0.00001.
gnomAD v4.1: 4 of 1,613,342 alleles (0.00025%); highest among the groups gnomAD compares: Non-Finnish European, 0.00034%; no homozygotes.

Submissions (4):

Myriad Genetics, Inc.
Classification: Benign for Rhabdoid tumor predisposition syndrome 2. Last evaluated: 2026-07-14. Review status: criteria provided, single submitter. Criteria: Myriad Autosomal Dominant, Autosomal Recessive and X-Linked Classification Criteria (2023). Collection method: clinical testing. Allele origin: unknown.
Comment: This variant is considered benign. This variant is a silent/synonymous amino acid change and it is not expected to impact splicing.

PreventionGenetics, part of Exact Sciences
Classification: Likely benign for SMARCA4-related condition. Last evaluated: 2026-04-03. Review status: criteria provided, single submitter. Criteria: ACMG Guidelines, 2015. Collection method: clinical testing. Allele origin: germline.
Comment: This variant is classified as likely benign based on ACMG/AMP sequence variant interpretation guidelines (Richards et al. 2015 PMID: 25741868, with internal and published modifications).

Labcorp Genetics (formerly Invitae), Labcorp
Classification: Likely benign for Rhabdoid tumor predisposition syndrome 2. Last evaluated: 2025-07-31. Review status: criteria provided, single submitter. Criteria: Invitae Variant Classification Sherloc (09022015). Collection method: clinical testing. Allele origin: germline.

Ambry Genetics
Classification: Likely benign for Hereditary cancer-predisposing syndrome. Last evaluated: 2016-03-18. Review status: criteria provided, single submitter. Criteria: Ambry Variant Classification Scheme 2023. Collection method: clinical testing. Allele origin: germline.

NM_003072.5(SMARCA4):c.2926T>C (p.Leu976=)

Gene: SMARCA4 (SWI/SNF related BAF chromatin remodeling complex subunit ATPase 4; plus strand). Cytogenetic location: 19p13.2.
Variant type: single nucleotide variant.
Coding change: c.2926T>C on transcript NM_003072.5 (MANE Select); coding-DNA position 2926, T replaced by C.
Protein change: p.Leu976=; no amino-acid change (leucine 976 retained).
Molecular consequence: synonymous variant. On other transcripts: non-coding transcript variant (1).
Genome position (GRCh38, 1-based): chr19:11,023,584, T>C. VCF-style: chr19-11023584-T-C. GRCh37 (hg19) VCF-style: chr19-11134260-T-C.
Other names: c.2926T>C, p.Leu976= (NM_001128844.3, NM_001128845.2, NM_001128846.2 and 5 more transcripts).
Identifiers: ClinVar variation 415161 (VCV000415161.18), dbSNP rs1060504466, ClinGen allele CA16615973.
Genomic context (GRCh38, chr19:11,023,584, plus strand): 5'-CTGAATGAGGAGGAAACCATTCTCATCATCCGGCGTCTCCACAAAGTGCTGCGGCCCTTC[T>C]TGCTCCGACGACTCAAGAAGGAAGTCGAGGCCCAGTTGCCCGAAAAGGTGATGGAGTTTT-3'
Protein context (NP_003063.2, residues 966-986): RRLHKVLRPF[Leu976=]LRRLKKEVEA